The following is an entry in ClinVar:

ClinVar aggregate classification (germline): Benign/Likely benign. Review status: criteria provided, multiple submitters, no conflicts (2 of 4 stars). 3 submissions from 3 submitters: Benign (1); Likely benign (2). Last evaluated 2025-01-07.

Conditions:
Lynch syndrome 5 (LYNCH5). Also called: Colorectal cancer, hereditary nonpolyposis, type 5; Hereditary non-polyposis colorectal cancer, type 5. Identifiers: Orphanet 144, MedGen C1833477, MONDO:0013710, OMIM 614350. Disease mechanism: loss of function.
Hereditary cancer-predisposing syndrome. Also called: Tumor predisposition; Neoplastic Syndromes, Hereditary; Hereditary Cancer Syndrome; Hereditary neoplastic syndrome. Identifiers: Orphanet 140162, MedGen C0027672, MeSH D009386, MONDO:0015356.
Hereditary nonpolyposis colorectal neoplasms. Identifiers: MedGen C0009405, MeSH D003123.

Submissions (3):

Myriad Genetics, Inc.
Classification: Benign for Lynch syndrome 5. Last evaluated: 2025-01-07. Review status: criteria provided, single submitter. Criteria: Myriad Autosomal Dominant, Autosomal Recessive and X-Linked Classification Criteria (2023). Collection method: clinical testing. Allele origin: unknown.
Comment: This variant is considered benign. This variant is a silent/synonymous amino acid change and it is not expected to impact splicing.

Labcorp Genetics (formerly Invitae), Labcorp
Classification: Likely benign for Hereditary nonpolyposis colorectal neoplasms. Last evaluated: 2024-10-27. Review status: criteria provided, single submitter. Criteria: Invitae Variant Classification Sherloc (09022015). Collection method: clinical testing. Allele origin: germline.

Ambry Genetics
Classification: Likely benign for Hereditary cancer-predisposing syndrome. Last evaluated: 2018-08-28. Review status: criteria provided, single submitter. Criteria: Ambry Variant Classification Scheme 2023. Collection method: clinical testing. Allele origin: germline.

NM_000179.3(MSH6):c.3465G>A (p.Gln1155=)

Gene: MSH6 (mutS homolog 6; plus strand). Cytogenetic location: 2p16.3.
Variant type: single nucleotide variant.
Coding change: c.3465G>A on transcript NM_000179.3 (MANE Select); coding-DNA position 3465, G replaced by A.
Protein change: p.Gln1155=; no amino-acid change (glutamine 1155 retained).
Molecular consequence: synonymous variant.
Genome position (GRCh38, 1-based): chr2:47,804,936, G>A. VCF-style: chr2-47804936-G-A. GRCh37 (hg19) VCF-style: chr2-48032075-G-A.
Other names: c.3075G>A, p.Gln1025= (NM_001281492.2); c.2559G>A, p.Gln853= (NM_001281493.2, NM_001281494.2).
Identifiers: ClinVar variation 760101 (VCV000760101.12), dbSNP rs766817979, ClinGen allele CA425997206.
Genomic context (GRCh38, chr2:47,804,936, plus strand): 5'-AGTCATAAAAGACCTTTTCCTCCCTCATTCACAGGCTGGCTTATTAGCTGTAATGGCCCA[G>A]ATGGGTTGTTACGTCCCTGCTGAAGTGTGCAGGCTCACACCAATTGATAGAGTGTTTACT-3'
Protein context (NP_000170.1, residues 1145-1165): RQAGLLAVMA[Gln1155=]MGCYVPAEVC